The following is an entry in ClinVar:

ClinVar aggregate classification (germline): Pathogenic. Review status: criteria provided, multiple submitters, no conflicts (2 of 4 stars). 4 submissions from 4 submitters: Pathogenic (3). 1 of the submissions does not count toward it. Last evaluated 2026-03-31.

Conditions:
Myopathy with abnormal lipid metabolism. Also called: Lipid storage myopathy due to flavin adenine dinucleotide synthetase deficiency. Identifiers: MedGen C4310822, MONDO:0009703, OMIM 255100.
Multiple acyl-CoA dehydrogenase deficiency (MADD). Also called: ETHYLMALONIC-ADIPICACIDURIA; GA II; Glutaric Acidemia type 2; Glutaric acidemia type II; GA 2; Glutaric aciduria, type 2. Identifiers: Orphanet 26791, MedGen C0268596, MONDO:0009282, OMIM 231680.

Submissions (4):

GeneDx
Classification: Pathogenic. Last evaluated: 2026-03-31. Review status: criteria provided, single submitter. Criteria: GeneDx Variant Classification Process June 2021. Collection method: clinical testing. Allele origin: germline.
Comment: Frameshift variant predicted to result in protein truncation or nonsense mediated decay in a gene for which loss of function is a known mechanism of disease; Not observed at significant frequency in large population cohorts (gnomAD); This variant is associated with the following publications: (PMID: 30061063, 27259049, 25058219)

Research Unit for Molecular Medicine, Department for Clinical Medicine, Aarhus University
Classification: Pathogenic for Multiple acyl-CoA dehydrogenase deficiency. Last evaluated: 2016-03-14. Review status: criteria provided, single submitter. Criteria: Submitter's publication. Collection method: research. Allele origin: inherited. Affected: yes. Observed: 2 variant alleles.

Pediatric Metabolic Diseases, Hacettepe University
Classification: Pathogenic for Myopathy with abnormal lipid metabolism. Review status: criteria provided, single submitter. Criteria: submitter's publication. Collection method: case-control. Allele origin: biparental. Inheritance: Autosomal recessive inheritance. Affected: yes. Observed: 1 variant allele, 1 homozygote.

OMIM
Classification: Pathogenic for LIPID STORAGE MYOPATHY DUE TO FLAVIN ADENINE DINUCLEOTIDE SYNTHETASE DEFICIENCY. Last evaluated: 2014-07-02. Review status: no assertion criteria provided. Collection method: literature only. Allele origin: germline. Not counted in ClinVar's aggregate classification.

Literature cited by the submitters: PubMed 25058219 (cited by OMIM).

NM_025207.5(FLAD1):c.401_404del (p.Phe134fs)

Gene: FLAD1 (flavin adenine dinucleotide synthetase 1; plus strand). Cytogenetic location: 1q21.3.
Variant type: Microsatellite.
Coding change: c.401_404del on transcript NM_025207.5 (MANE Select); coding-DNA positions 401 to 404, 4 bases deleted (TTCT; older notation c.401_404delTTCT).
Protein change: p.Phe134fs; shifts the reading frame from phenylalanine 134.
Molecular consequence: frameshift variant.
Genome position (GRCh38, 1-based): chr1:154,988,133-154,988,136, TTCT deleted; deleting any 4 consecutive bases within chr1:154,988,129-154,988,136 gives the same sequence; the c. name uses the placement nearest the transcript's 3' end. VCF-style (leftmost placement, unchanged base first): chr1-154988128-CTTCT-C. GRCh37 (hg19) VCF-style: chr1-154960604-CTTCT-C.
Other names: c.401_404delTTCT (NM_025207.4); c.110_113del, p.Phe37fs (NM_001184891.2, NM_201398.3); c.104_107del, p.Phe35fs (NM_001184892.2); c.401_404del (NM_025207.4); short protein forms F35fs, F134fs, F37fs.
Identifiers: ClinVar variation 224732 (VCV000224732.5), dbSNP rs876661313, ClinGen allele CA10575991.